The following is an entry in ClinVar:

ClinVar aggregate classification (germline): Uncertain significance. Review status: criteria provided, single submitter (1 of 4 stars). 2 submissions from 2 submitters: Uncertain significance (1). 1 of the submissions does not count toward it. Last evaluated 2024-01-26.

Conditions:
Immunodeficiency 14 (IMD14A). Also called: ACTIVATED PI3K-DELTA SYNDROME 1; p110-DELTA-ACTIVATING MUTATION CAUSING SENESCENT T CELLS, LYMPHADENOPATHY, AND IMMUNODEFICIENCY; Activated PI3K Delta Syndrome Type 1 (APDS1); IMMUNODEFICIENCY 14A WITH LYMPHOPROLIFERATION, AUTOSOMAL DOMINANT. Identifiers: Orphanet 397596, Orphanet 693661, MedGen C5907821, MONDO:0014222, OMIM 615513.
Activated PI3K-delta syndrome. Identifiers: Orphanet 397596, MedGen C3714976, MONDO:0018338.

Allele frequency attached by ClinVar (database versions not stated): TOPMed below 0.00001.
gnomAD v4.1: 2 of 1,613,326 alleles (0.00012%); highest among the groups gnomAD compares: Non-Finnish European, 0.00017%; no homozygotes.

Submissions (2):

Labcorp Genetics (formerly Invitae), Labcorp
Classification: Uncertain significance for Activated PI3K-delta syndrome. Last evaluated: 2024-01-26. Review status: criteria provided, single submitter. Criteria: Invitae Variant Classification Sherloc (09022015). Collection method: clinical testing. Allele origin: germline.
Comment: This sequence change replaces leucine, which is neutral and non-polar, with valine, which is neutral and non-polar, at codon 580 of the PIK3CD protein (p.Leu580Val). This variant is not present in population databases (gnomAD no frequency). This variant has not been reported in the literature in individuals affected with PIK3CD-related conditions. Advanced modeling of protein sequence and biophysical properties (such as structural, functional, and spatial information, amino acid conservation, physicochemical variation, residue mobility, and thermodynamic stability) performed at Invitae indicates that this missense variant is expected to disrupt PIK3CD protein function with a positive predictive value of 80%. In summary, the available evidence is currently insufficient to determine the role of this variant in disease. Therefore, it has been classified as a Variant of Uncertain Significance.

Rarefied Biosciences Lab
Classification: Likely benign for Activated PI3K-delta syndrome. Review status: no assertion criteria provided. Collection method: research. Allele origin: germline, not applicable. Affected: yes. Functional consequence: gain_of_function_variant. Not counted in ClinVar's aggregate classification.
Comment: The PIK3CD c.1738C>G (p.Leu580Val) variant results in a missense substitution of leucine to valine at codon 580. This residue has low conservation, with a phyloP100 score of 1.646, and the substitution occurs outside of known critical functional domains of PIK3CD. The variant is present in gnomAD at an allele frequency of 0.000003778, consistent with a rare polymorphism. Functional immune profiling demonstrated T follicular helper (TFH) cells at 13.3%, which falls within control levels, and transitional B cells at 4.31%, which is also within the normal range, indicating no significant immune dysregulation. Additionally, no aberrant activation of the mTOR signaling pathway was observed, suggesting that PI3K signaling remains unaffected. Computational predictive tools provide mixed results: AlphaMissense classifies the variant as Benign Supporting (0.2244), while SIFT predicts an uncertain impact (0.002). No publications have associated this variant with disease. Given the absence of functional impact, normal immune parameters, lack of mTOR activation, and benign computational predictions, PIK3CD c.1738C>G (p.Leu580Val) is best classified as Likely Benign

Literature cited by the submitters: PubMed 31031754 (cited by Rarefied Biosciences Lab).

NM_005026.5(PIK3CD):c.1738C>G (p.Leu580Val)

Gene: PIK3CD (phosphatidylinositol-4,5-bisphosphate 3-kinase catalytic subunit delta; plus strand). Cytogenetic location: 1p36.22.
Variant type: single nucleotide variant.
Coding change: c.1738C>G on transcript NM_005026.5 (MANE Select); coding-DNA position 1738, C replaced by G.
Protein change: p.Leu580Val; replaces leucine 580 with valine.
Molecular consequence: missense variant.
Genome position (GRCh38, 1-based): chr1:9,721,175, C>G. VCF-style: chr1-9721175-C-G. GRCh37 (hg19) VCF-style: chr1-9781233-C-G.
Other names: c.1735C>G, p.Leu579Val (NM_001350234.2); c.1651C>G, p.Leu551Val (NM_001350235.1); short protein forms L580V, L551V, L579V.
Identifiers: ClinVar variation 2866391 (VCV002866391.5), dbSNP rs1570385752, ClinGen allele CA338304197.
Genomic context (GRCh38, chr1:9,721,175, plus strand): 5'-GGCTCCCCCCAGATGCTCTACCTGCTGTGCTCCTGGCCGGAGCTGCCCGTCCTGAGCGCC[C>G]TGGAGCTGCTAGACTTCAGCTTCCCCGATTGCCACGTAGGCTCCTTCGCCATCAAGTCGC-3'
Protein context (NP_005017.3, residues 570-590): SWPELPVLSA[Leu580Val]ELLDFSFPDC